The following is an entry in ClinVar:

ClinVar aggregate classification (germline): Pathogenic/Likely pathogenic. Review status: criteria provided, multiple submitters, no conflicts (2 of 4 stars). 2 submissions from 2 submitters: Pathogenic (1); Likely pathogenic (1). Last evaluated 2024-03-07.

Conditions:
Eichsfeld type congenital muscular dystrophy (CMYO3). Also called: MYOPATHY, SEPN1-RELATED; SELENON-related myopathy; Congenital myopathy 3 with rigid spine; Rigid spine muscular dystrophy 1. Identifiers: MedGen C0410180, MONDO:0100100, OMIM 602771.

Allele frequency attached by ClinVar (database versions not stated): TOPMed below 0.00001.

Submissions (2):

GeneDx
Classification: Likely pathogenic. Last evaluated: 2024-03-07. Review status: criteria provided, single submitter. Criteria: GeneDx Variant Classification Process June 2021. Collection method: clinical testing. Allele origin: germline. Affected: yes.
Comment: RNA studies demonstrate a damaging effect and show significant depletion of the mRNA in patient cells (PMID: 16498447); Not observed at significant frequency in large population cohorts (gnomAD); This variant is associated with the following publications: (PMID: 37745687, 16498447)

Labcorp Genetics (formerly Invitae), Labcorp
Classification: Pathogenic for Eichsfeld type congenital muscular dystrophy. Last evaluated: 2022-06-04. Review status: criteria provided, single submitter. Criteria: Invitae Variant Classification Sherloc (09022015). Collection method: clinical testing. Allele origin: germline.
Comment: This variant occurs in a non-coding region of the SELENON gene. It does not change the encoded amino acid sequence of the SELENON protein. This variant is not present in population databases (gnomAD no frequency). This variant has been observed in individual(s) with SELENON-related myopathy (PMID: 16498447). In at least one individual the data is consistent with being in trans (on the opposite chromosome) from a pathogenic variant. It has also been observed to segregate with disease in related individuals. ClinVar contains an entry for this variant (Variation ID: 844320). Algorithms developed to predict the effect of variants on protein structure and function are not available or were not evaluated for this variant. Experimental studies have shown that this variant affects SELENON function (PMID: 16498447). For these reasons, this variant has been classified as Pathogenic.

Literature cited by the submitters: PubMed 16498447 (cited by Labcorp Genetics (formerly Invitae), Labcorp).

NM_206926.2(SELENON):c.*1107T>C

Gene: SELENON (selenoprotein N; plus strand). Cytogenetic location: 1p36.11.
Variant type: single nucleotide variant.
Coding change: c.*1107T>C on transcript NM_206926.2 (MANE Select); 1107 bases downstream of the stop codon, T replaced by C.
Molecular consequence: 3 prime UTR variant.
Genome position (GRCh38, 1-based): chr1:25,816,825, T>C. VCF-style: chr1-25816825-T-C. GRCh37 (hg19) VCF-style: chr1-26143316-T-C.
Other names: c.*1107T>C (NM_020451.3).
Identifiers: ClinVar variation 844320 (VCV000844320.11), dbSNP rs2048015293, ClinGen allele CA416760007.